The following is an entry in ClinVar:

NM_004086.3(COCH):c.1324G>C (p.Gly442Arg)

Genes: COCH (cochlin; plus strand), COCH-AS1 (COCH antisense RNA 1; minus strand). Cytogenetic location: 14q12.
Variant type: single nucleotide variant.
Coding change: c.1324G>C on transcript NM_004086.3 (MANE Select); coding-DNA position 1324, G replaced by C.
Protein change: p.Gly442Arg; replaces glycine 442 with arginine.
Molecular consequence: missense variant. On other transcripts: non-coding transcript variant (1).
Genome position (GRCh38, 1-based): chr14:30,886,159, G>C. VCF-style: chr14-30886159-G-C. GRCh37 (hg19) VCF-style: chr14-31355365-G-C.
Other names: c.1324G>C, p.Gly442Arg (NM_001135058.2); c.1519G>C, p.Gly507Arg (NM_001347720.2); short protein forms G442R, G507R.
Identifiers: ClinVar variation 2909513 (VCV002909513.3), dbSNP rs774252846, ClinGen allele CA7143305.

ClinVar aggregate classification (germline): Uncertain significance (1 of 4 stars; one submission).

Allele frequency attached by ClinVar (database versions not stated): ExAC 0.00002.
gnomAD v4.1: 1 of 1,611,182 alleles (0.000062%); no homozygotes.

Submission:

Labcorp Genetics (formerly Invitae), Labcorp
Classification: Uncertain significance. Last evaluated: 2025-07-02. Review status: criteria provided, single submitter. Criteria: Invitae Variant Classification Sherloc (09022015). Collection method: clinical testing. Allele origin: germline.
Comment: This sequence change replaces glycine, which is neutral and non-polar, with arginine, which is basic and polar, at codon 442 of the COCH protein (p.Gly442Arg). This variant is present in population databases (rs774252846, gnomAD 0.006%). This variant has not been reported in the literature in individuals affected with COCH-related conditions. ClinVar contains an entry for this variant (Variation ID: 2909513). Invitae Evidence Modeling of protein sequence and biophysical properties (such as structural, functional, and spatial information, amino acid conservation, physicochemical variation, residue mobility, and thermodynamic stability) indicates that this missense variant is expected to disrupt COCH protein function with a positive predictive value of 95%. In summary, the available evidence is currently insufficient to determine the role of this variant in disease. Therefore, it has been classified as a Variant of Uncertain Significance.